The following is an entry in ClinVar:

ClinVar aggregate classification (germline): Conflicting classifications of pathogenicity. Review status: criteria provided, conflicting classifications (1 of 4 stars). 4 submissions from 4 submitters: Likely pathogenic (1); Uncertain significance (2). 1 of the submissions does not count toward it. Last evaluated 2026-02-19.

Conditions:
Polycystic kidney disease 4 (PKD4). Also called: POLYCYSTIC KIDNEY AND HEPATIC DISEASE 1; POLYCYSTIC KIDNEY DISEASE, INFANTILE, TYPE I; POLYCYSTIC KIDNEY DISEASE 4 WITH OR WITHOUT POLYCYSTIC LIVER DISEASE; PKD3; Autosomal Recessive Polycystic Kidney Disease – PKHD1. Identifiers: MedGen C4540575, MONDO:0033004, OMIM 263200.
PKHD1-related disorder. Also called: PKHD1-related condition.
Autosomal recessive polycystic kidney disease (ARPKD). Also called: AR polycystic kidney disease. Identifiers: Orphanet 731, Orphanet 8378, MedGen C0085548, MeSH D017044, MONDO:0009889.

Allele frequency attached by ClinVar (database versions not stated): gnomAD exomes below 0.00001; ExAC 0.00002.
gnomAD v4.1: 2 of 1,614,050 alleles (0.00012%); highest among the groups gnomAD compares: East Asian, 0.0022%; no homozygotes.

Submissions (4):

Myriad Genetics, Inc.
Classification: Uncertain significance for Polycystic kidney disease 4. Last evaluated: 2026-02-19. Review status: criteria provided, single submitter. Criteria: Myriad Autosomal Dominant, Autosomal Recessive and X-Linked Classification Criteria (2023). Collection method: clinical testing. Allele origin: unknown.
Comment: NM_138694.3(PKHD1):c.8069G>T(W2690L) is a missense variant classified as a variant of uncertain significance in the context of autosomal recessive polycystic kidney disease, PKHD1-related. W2690L has not been observed in cases with relevant disease. Relevant functional assessments of this variant are not available in the literature. W2690L has not been observed in referenced population frequency databases. In summary, there is insufficient evidence to classify NM_138694.3(PKHD1):c.8069G>T(W2690L) as pathogenic or benign. Please note: this variant was assessed in the context of healthy population screening.

Women's Health and Genetics/Laboratory Corporation of America, LabCorp
Classification: Uncertain significance. Last evaluated: 2025-07-01. Review status: criteria provided, single submitter. Criteria: LabCorp Variant Classification Summary - May 2015. Collection method: clinical testing. Allele origin: germline.
Comment: Variant summary: PKHD1 c.8069G>T (p.Trp2690Leu) results in a non-conservative amino acid change in the encoded protein sequence. Algorithms developed to predict the effect of missense changes on protein structure and function all suggest that this variant is likely to be disruptive. The variant allele was found at a frequency of 4e-06 in 251184 control chromosomes. The available data on variant occurrences in the general population are insufficient to allow any conclusion about variant significance. To our knowledge, no occurrence of c.8069G>T in individuals affected with Polycystic Kidney And Hepatic Disease and no experimental evidence demonstrating its impact on protein function have been reported. ClinVar contains an entry for this variant (Variation ID: 1347722). Based on the evidence outlined above, the variant was classified as uncertain significance.

Labcorp Genetics (formerly Invitae), Labcorp
Classification: Likely pathogenic for Autosomal recessive polycystic kidney disease. Last evaluated: 2023-10-13. Review status: criteria provided, single submitter. Criteria: Invitae Variant Classification Sherloc (09022015). Collection method: clinical testing. Allele origin: germline.
Comment: This sequence change replaces tryptophan, which is neutral and slightly polar, with leucine, which is neutral and non-polar, at codon 2690 of the PKHD1 protein (p.Trp2690Leu). This variant is present in population databases (rs768660365, gnomAD 0.003%). This variant has not been reported in the literature in individuals affected with PKHD1-related conditions. ClinVar contains an entry for this variant (Variation ID: 1347722). Advanced modeling of protein sequence and biophysical properties (such as structural, functional, and spatial information, amino acid conservation, physicochemical variation, residue mobility, and thermodynamic stability) performed at Invitae indicates that this missense variant is expected to disrupt PKHD1 protein function. This variant disrupts the p.Trp2690 amino acid residue in PKHD1. Other variant(s) that disrupt this residue have been determined to be pathogenic (PMID: 14971004, 15698423, 19021639, 20413436). This suggests that this residue is clinically significant, and that variants that disrupt this residue are likely to be disease-causing. In summary, the currently available evidence indicates that the variant is pathogenic, but additional data are needed to prove that conclusively. Therefore, this variant has been classified as Likely Pathogenic.

PreventionGenetics, part of Exact Sciences
Classification: Uncertain significance for PKHD1-related condition. Last evaluated: 2024-04-30. Review status: no assertion criteria provided. Collection method: clinical testing. Allele origin: germline. Not counted in ClinVar's aggregate classification.
Comment: The PKHD1 c.8069G>T variant is predicted to result in the amino acid substitution p.Trp2690Leu. To our knowledge, this variant has not been reported in the literature. An alternate nucleotide change affecting the same amino acid (p.Trp2690Arg), has been reported in individuals with autosomal recessive polycystic kidney disease (ARPKD) (Gunay-Aygun et al. 2010. PubMed ID: 20413436; Bergmann et al. 2005. PubMed ID: 15698423; Michel-Calemard et al. 2008. PubMed ID: 19021639; Sgro et al. 2004. PubMed ID: 14971004). This variant is reported in 0.0029% of alleles in individuals of Latino descent in gnomAD. Although we suspect that this variant may be pathogenic, at this time, the clinical significance of this variant is uncertain due to the absence of conclusive functional and genetic evidence.

Literature cited by the submitters: PubMed 14971004 (cited by Labcorp Genetics (formerly Invitae), Labcorp); PubMed 15698423 (cited by Labcorp Genetics (formerly Invitae), Labcorp); PubMed 19021639 (cited by Labcorp Genetics (formerly Invitae), Labcorp); PubMed 20413436 (cited by Labcorp Genetics (formerly Invitae), Labcorp).

NM_138694.4(PKHD1):c.8069G>T (p.Trp2690Leu)

Gene: PKHD1 (PKHD1 ciliary IPT domain containing fibrocystin/polyductin; minus strand). Cytogenetic location: 6p12.2.
Variant type: single nucleotide variant.
Coding change: c.8069G>T on transcript NM_138694.4 (MANE Select); coding-DNA position 8069, G replaced by T.
Protein change: p.Trp2690Leu; replaces tryptophan 2690 with leucine.
Molecular consequence: missense variant.
Genome position (GRCh38, 1-based): chr6:51,847,813, C>A on the plus strand (G>T on the coding strand, the complement: PKHD1 is on the minus strand). VCF-style: chr6-51847813-C-A. GRCh37 (hg19) VCF-style: chr6-51712611-C-A.
Other names: c.8069G>T (NM_138694.3); c.8069G>T, p.Trp2690Leu (NM_170724.3); short protein forms W2690L.
Identifiers: ClinVar variation 1347722 (VCV001347722.13), dbSNP rs768660365, ClinGen allele CA3851759.